The following is an entry in ClinVar:

NM_016008.4(DYNC2LI1):c.608G>T (p.Cys203Phe)

Gene: DYNC2LI1 (dynein cytoplasmic 2 light intermediate chain 1; plus strand). Cytogenetic location: 2p21.
Variant type: single nucleotide variant.
Coding change: c.608G>T on transcript NM_016008.4 (MANE Select); coding-DNA position 608, G replaced by T.
Protein change: p.Cys203Phe; replaces cysteine 203 with phenylalanine.
Molecular consequence: missense variant.
Genome position (GRCh38, 1-based): chr2:43,796,749, G>T. VCF-style: chr2-43796749-G-T. GRCh37 (hg19) VCF-style: chr2-44023888-G-T.
Other names: c.611G>T, p.Cys204Phe (NM_001193464.2, NM_001348913.2); c.608G>T, p.Cys203Phe (NM_001348912.2); short protein forms C203F, C204F.
Identifiers: ClinVar variation 3701275 (VCV003701275.2).
Genomic context (GRCh38, chr2:43,796,749, plus strand): 5'-TGACTTTTTAAAATAACATATTTCTACAGGATTTTGAGTCTGAGAAGAGAAAGGTAATAT[G>T]CAAGACACTTCGATTTGTTGCACATTATTATGGAGCATCATTAATGGTTTGTACATTTCT-3'
Protein context (NP_057092.2, residues 193-213): DFESEKRKVI[Cys203Phe]KTLRFVAHYY

ClinVar aggregate classification (germline): Uncertain significance (1 of 4 stars; one submission).

gnomAD v4.1: 2 of 1,613,644 alleles (0.00012%); highest among the groups gnomAD compares: Non-Finnish European, 0.00017%; no homozygotes.

Submission:

Labcorp Genetics (formerly Invitae), Labcorp
Classification: Uncertain significance. Last evaluated: 2024-11-01. Review status: criteria provided, single submitter. Criteria: Invitae Variant Classification Sherloc (09022015). Collection method: clinical testing. Allele origin: germline.
Comment: This sequence change replaces cysteine, which is neutral and slightly polar, with phenylalanine, which is neutral and non-polar, at codon 203 of the DYNC2LI1 protein (p.Cys203Phe). This variant is not present in population databases (gnomAD no frequency). This variant has not been reported in the literature in individuals affected with DYNC2LI1-related conditions. An algorithm developed to predict the effect of missense changes on protein structure and function (PolyPhen-2) suggests that this variant is likely to be disruptive. In summary, the available evidence is currently insufficient to determine the role of this variant in disease. Therefore, it has been classified as a Variant of Uncertain Significance.